The following is an entry in ClinVar:

NM_005219.5(DIAPH1):c.1073T>C (p.Met358Thr)

Gene: DIAPH1 (diaphanous related formin 1; minus strand). Cytogenetic location: 5q31.3.
Variant type: single nucleotide variant.
Coding change: c.1073T>C on transcript NM_005219.5 (MANE Select); coding-DNA position 1073, T replaced by C.
Protein change: p.Met358Thr; replaces methionine 358 with threonine.
Molecular consequence: missense variant.
Genome position (GRCh38, 1-based): chr5:141,578,315, A>G on the plus strand (T>C on the coding strand, the complement: DIAPH1 is on the minus strand). VCF-style: chr5-141578315-A-G. GRCh37 (hg19) VCF-style: chr5-140957882-A-G.
Other names: c.1046T>C, p.Met349Thr (NM_001079812.3); c.1073T>C, p.Met358Thr (NM_001314007.2); short protein forms M349T, M358T.
Identifiers: ClinVar variation 846993 (VCV000846993.10), dbSNP rs1184130282, ClinGen allele CA361531630.

ClinVar aggregate classification (germline): Uncertain significance (1 of 4 stars; one submission).

Conditions:
Progressive microcephaly-seizures-cortical blindness-developmental delay syndrome. Also called: Seizures, cortical blindness, and microcephaly syndrome. Identifiers: Orphanet 477814, MedGen C5567650, MONDO:0014714, OMIM 616632.
Autosomal dominant nonsyndromic hearing loss 1. Also called: DEAFNESS, AUTOSOMAL DOMINANT 1, WITH OR WITHOUT THROMBOCYTOPENIA; KONIGSMARK SYNDROME. Identifiers: Orphanet 90635, MedGen C1852282, MONDO:0007424, OMIM 124900.

Allele frequency attached by ClinVar (database versions not stated): gnomAD exomes below 0.00001; TOPMed below 0.00001; gnomAD 0.00001.
gnomAD v4.1: 5 of 1,613,962 alleles (0.00031%); highest among the groups gnomAD compares: Admixed American, 0.0017%; no homozygotes.

Submission:

Labcorp Genetics (formerly Invitae), Labcorp
Classification: Uncertain significance for Progressive microcephaly-seizures-cortical blindness-developmental delay syndrome; Autosomal dominant nonsyndromic hearing loss 1. Last evaluated: 2024-11-26. Review status: criteria provided, single submitter. Criteria: Invitae Variant Classification Sherloc (09022015). Collection method: clinical testing. Allele origin: germline.
Comment: This sequence change replaces methionine, which is neutral and non-polar, with threonine, which is neutral and polar, at codon 358 of the DIAPH1 protein (p.Met358Thr). This variant is present in population databases (no rsID available, gnomAD 0.003%). This variant has not been reported in the literature in individuals affected with DIAPH1-related conditions. ClinVar contains an entry for this variant (Variation ID: 846993). Experimental studies and prediction algorithms are not available or were not evaluated, and the functional significance of this variant is currently unknown. In summary, the available evidence is currently insufficient to determine the role of this variant in disease. Therefore, it has been classified as a Variant of Uncertain Significance.